The following is an entry in ClinVar:

NM_000110.4(DPYD):c.1417G>T (p.Glu473Ter)

Gene: DPYD (dihydropyrimidine dehydrogenase; minus strand). Cytogenetic location: 1p21.3.
Variant type: single nucleotide variant.
Coding change: c.1417G>T on transcript NM_000110.4 (MANE Select); coding-DNA position 1417, G replaced by T.
Protein change: p.Glu473Ter; replaces glutamic acid 473 with a stop codon.
Molecular consequence: nonsense.
Genome position (GRCh38, 1-based): chr1:97,549,667, C>A on the plus strand (G>T on the coding strand, the complement: DPYD is on the minus strand). VCF-style: chr1-97549667-C-A. GRCh37 (hg19) VCF-style: chr1-98015223-C-A.
Other names: short protein forms E473*.
Identifiers: ClinVar variation 5012666 (VCV005012666.1).

ClinVar aggregate classification (germline): Pathogenic (1 of 4 stars; one submission).

Conditions:
Dihydropyrimidine dehydrogenase deficiency (DPYDD). Also called: DPD DEFICIENCY; DPYD DEFICIENCY; Hereditary Thymine-Uraciluria. Identifiers: Orphanet 1675, MedGen C1959620, MONDO:0010130, OMIM 274270.

Submission:

Myriad Genetics, Inc.
Classification: Pathogenic for Dihydropyrimidine dehydrogenase deficiency. Last evaluated: 2024-01-22. Review status: criteria provided, single submitter. Criteria: Myriad Autosomal Dominant, Autosomal Recessive and X-Linked Classification Criteria (2023). Collection method: clinical testing. Allele origin: unknown.
Comment: NM_000110.3(DPYD):c.1417G>T(E473*) is expected to be pathogenic in the context of dihydropyrimidine dehydrogenase deficiency. This variant is predicted to lead to an abnormal or absent protein product due to the creation of a premature termination codon in DPYD, a gene where loss-of-function variants are known to be pathogenic. Please note: this variant was assessed in the context of healthy population screening.